The following is an entry in ClinVar:

ClinVar aggregate classification (germline): Pathogenic (1 of 4 stars; one submission).

Conditions:
Ellis-van Creveld syndrome (EVC). Also called: MESOECTODERMAL DYSPLASIA; Chondroectodermal dysplasia. Identifiers: Orphanet 289, MedGen C0013903, MONDO:0009162, OMIM 225500.

Submission:

Myriad Genetics, Inc.
Classification: Pathogenic for Ellis-van Creveld syndrome. Last evaluated: 2024-06-29. Review status: criteria provided, single submitter. Criteria: Myriad Autosomal Dominant, Autosomal Recessive and X-Linked Classification Criteria (2023). Collection method: clinical testing. Allele origin: unknown.
Comment: NM_153717.2(EVC):c.191dupA(N64Kfs*9) is expected to be pathogenic in the context of EVC-related Ellis-van Creveld syndrome. This variant is predicted to lead to an abnormal or absent protein product due to the creation of a premature termination codon in EVC, a gene where loss-of-function variants are known to be pathogenic. Please note: this variant was assessed in the context of healthy population screening.

NM_153717.3(EVC):c.191dup (p.Asn64fs)

Gene: EVC (EvC ciliary complex subunit 1; plus strand). Cytogenetic location: 4p16.2.
Variant type: Duplication.
Coding change: c.191dup on transcript NM_153717.3 (MANE Select); coding-DNA position 191, one base duplicated (A; older notation c.191dupA).
Protein change: p.Asn64fs; shifts the reading frame from asparagine 64.
Molecular consequence: frameshift variant.
Genome position (GRCh38, 1-based): chr4:5,719,264, A duplicated; the last of 4 consecutive A bases (chr4:5,719,261-5,719,264); duplicating any one gives the same sequence. VCF-style (leftmost placement, unchanged base first): chr4-5719260-C-CA. GRCh37 (hg19) VCF-style: chr4-5720987-C-CA.
Other names: c.191dup, p.Asn64fs (NM_001306090.2, NM_001306092.2); short protein forms N64fs.
Identifiers: ClinVar variation 5013256 (VCV005013256.1).